The following is an entry in ClinVar:

NM_000702.4(ATP1A2):c.1216+3G>A

Gene: ATP1A2 (ATPase Na+/K+ transporting subunit alpha 2; plus strand). Cytogenetic location: 1q23.2.
Variant type: single nucleotide variant.
Coding change: c.1216+3G>A on transcript NM_000702.4 (MANE Select); 3 bases into the intron after coding-DNA position 1216, G replaced by A.
Molecular consequence: intron variant.
Genome position (GRCh38, 1-based): chr1:160,128,853, G>A. VCF-style: chr1-160128853-G-A. GRCh37 (hg19) VCF-style: chr1-160098643-G-A.
Identifiers: ClinVar variation 1463807 (VCV001463807.6), dbSNP rs2101989261, ClinGen allele CA2573131140.

ClinVar aggregate classification (germline): Uncertain significance (1 of 4 stars; one submission).

Conditions:
Familial hemiplegic migraine. Identifiers: MedGen C0338484, MONDO:0000700.

Submission:

Labcorp Genetics (formerly Invitae), Labcorp
Classification: Uncertain significance for Familial hemiplegic migraine. Last evaluated: 2021-03-21. Review status: criteria provided, single submitter. Criteria: Invitae Variant Classification Sherloc (09022015). Collection method: clinical testing. Allele origin: germline.
Comment: In summary, the available evidence is currently insufficient to determine the role of this variant in disease. Therefore, it has been classified as a Variant of Uncertain Significance. Nucleotide substitutions within the consensus splice site are a relatively common cause of aberrant splicing (PMID: 17576681, 9536098). Algorithms developed to predict the effect of sequence changes on RNA splicing suggest that this variant may create or strengthen a splice site, but this prediction has not been confirmed by published transcriptional studies. This variant has not been reported in the literature in individuals with ATP1A2-related conditions. This variant is not present in population databases (ExAC no frequency). This sequence change falls in intron 9 of the ATP1A2 gene. It does not directly change the encoded amino acid sequence of the ATP1A2 protein. It affects a nucleotide within the consensus splice site of the intron.

Literature cited by the submitters: PubMed 17576681; PubMed 9536098.